The following is an entry in ClinVar:

NM_004655.4(AXIN2):c.437C>T (p.Ser146Phe)

Gene: AXIN2 (axin 2; minus strand). Cytogenetic location: 17q24.1.
Variant type: single nucleotide variant.
Coding change: c.437C>T on transcript NM_004655.4 (MANE Select); coding-DNA position 437, C replaced by T.
Protein change: p.Ser146Phe; replaces serine 146 with phenylalanine.
Molecular consequence: missense variant.
Genome position (GRCh38, 1-based): chr17:65,558,184, G>A on the plus strand (C>T on the coding strand, the complement: AXIN2 is on the minus strand). VCF-style: chr17-65558184-G-A. GRCh37 (hg19) VCF-style: chr17-63554302-G-A.
Other names: c.437C>T, p.Ser146Phe (NM_001363813.1); short protein forms S146F.
Identifiers: ClinVar variation 837566 (VCV000837566.9), dbSNP rs2044301548, ClinGen allele CA400681389.

ClinVar aggregate classification (germline): Uncertain significance (1 of 4 stars; one submission).

Conditions:
Oligodontia-cancer predisposition syndrome. Also called: TOOTH AGENESIS-COLORECTAL CANCER SYNDROME. Identifiers: Orphanet 300576, MedGen C1837750, MONDO:0012075, OMIM 608615. Disease mechanism: loss of function.

Submission:

Labcorp Genetics (formerly Invitae), Labcorp
Classification: Uncertain significance for Oligodontia-cancer predisposition syndrome. Last evaluated: 2022-10-29. Review status: criteria provided, single submitter. Criteria: Invitae Variant Classification Sherloc (09022015). Collection method: clinical testing. Allele origin: germline.
Comment: Advanced modeling of protein sequence and biophysical properties (such as structural, functional, and spatial information, amino acid conservation, physicochemical variation, residue mobility, and thermodynamic stability) performed at Invitae indicates that this missense variant is not expected to disrupt AXIN2 protein function. ClinVar contains an entry for this variant (Variation ID: 837566). This variant has not been reported in the literature in individuals affected with AXIN2-related conditions. This variant is not present in population databases (gnomAD no frequency). This sequence change replaces serine, which is neutral and polar, with phenylalanine, which is neutral and non-polar, at codon 146 of the AXIN2 protein (p.Ser146Phe). In summary, the available evidence is currently insufficient to determine the role of this variant in disease. Therefore, it has been classified as a Variant of Uncertain Significance.